The following is an entry in ClinVar:

NM_000030.3(AGXT):c.680+1G>T

Gene: AGXT (alanine--glyoxylate aminotransferase; plus strand). Cytogenetic location: 2q37.3.
Variant type: single nucleotide variant.
Coding change: c.680+1G>T on transcript NM_000030.3 (MANE Select); the canonical splice donor site of the intron after coding-DNA position 680, G replaced by T.
Molecular consequence: splice donor variant.
Genome position (GRCh38, 1-based): chr2:240,874,063, G>T. VCF-style: chr2-240874063-G-T. GRCh37 (hg19) VCF-style: chr2-241813480-G-T.
Identifiers: ClinVar variation 2681184 (VCV002681184.1), dbSNP rs111996685, ClinGen allele CA351317110.

ClinVar aggregate classification (germline): Pathogenic (1 of 4 stars; one submission).

Conditions:
Primary hyperoxaluria, type I (HP1). Also called: OXALOSIS I; Primary hyperoxaluria type 1; GLYCOLIC ACIDURIA; HEPATIC AGT DEFICIENCY. Identifiers: Orphanet 416, Orphanet 93598, MedGen C0268164, MONDO:0009823, OMIM 259900. Disease mechanism: loss of function.

Submission:

Clinical Biochemistry Laboratory, Health Services Laboratory
Classification: Pathogenic for Primary hyperoxaluria, type I. Last evaluated: 2023-10-27. Review status: criteria provided, single submitter. Criteria: ACMG Guidelines, 2015. Collection method: curation. Allele origin: germline. Affected: yes.
Comment: ACMG:PVS1 PM2 PP3

Literature cited by the submitters: PubMed 36185032.